The following is an entry in ClinVar:

ClinVar aggregate classification (germline): Uncertain significance (1 of 4 stars; one submission).

Conditions:
Cardiovascular phenotype. Identifiers: MedGen CN230736.

gnomAD v4.1: 2 of 1,614,180 alleles (0.00012%); highest among the groups gnomAD compares: Non-Finnish European, 0.00017%; no homozygotes.

Submission:

Ambry Genetics
Classification: Uncertain significance for Cardiovascular phenotype. Last evaluated: 2026-05-21. Review status: criteria provided, single submitter. Criteria: Ambry Variant Classification Scheme 2023. Collection method: clinical testing. Allele origin: germline.
Comment: The p.A1221D variant (also known as c.3662C>A), located in coding exon 48 of the COL1A1 gene, results from a C to A substitution at nucleotide position 3662. The alanine at codon 1221 is replaced by aspartic acid, an amino acid with dissimilar properties. This amino acid position is conserved. In addition, this alteration is predicted to be deleterious by in silico analysis. Based on the available evidence, the clinical significance of this variant remains unclear.

NM_000088.4(COL1A1):c.3662C>A (p.Ala1221Asp)

Gene: COL1A1 (collagen type I alpha 1 chain; minus strand). Cytogenetic location: 17q21.33.
Variant type: single nucleotide variant.
Coding change: c.3662C>A on transcript NM_000088.4 (MANE Select); coding-DNA position 3662, C replaced by A.
Protein change: p.Ala1221Asp; replaces alanine 1221 with aspartic acid.
Molecular consequence: missense variant.
Genome position (GRCh38, 1-based): chr17:50,186,792, G>T on the plus strand (C>A on the coding strand, the complement: COL1A1 is on the minus strand). VCF-style: chr17-50186792-G-T. GRCh37 (hg19) VCF-style: chr17-48264153-G-T.
Other names: short protein forms A1221D.
Identifiers: ClinVar variation 4869107 (VCV004869107.1).